The following is an entry in ClinVar:

NM_005996.4(TBX3):c.390-4A>C

Gene: TBX3 (T-box transcription factor 3; minus strand). Cytogenetic location: 12q24.21.
Variant type: single nucleotide variant.
Coding change: c.390-4A>C on transcript NM_005996.4 (MANE Select); 4 bases into the intron before coding-DNA position 390, A replaced by C.
Molecular consequence: intron variant.
Genome position (GRCh38, 1-based): chr12:114,681,150, T>G on the plus strand (A>C on the coding strand, the complement: TBX3 is on the minus strand). VCF-style: chr12-114681150-T-G. GRCh37 (hg19) VCF-style: chr12-115118955-T-G.
Other names: c.390-4A>C (NM_016569.4).
Identifiers: ClinVar variation 5002106 (VCV005002106.1).
Genomic context (GRCh38, chr12:114,681,150, plus strand): 5'-TATTTGGCTTTTTTATCCAGCCCAGAACATCTCACTTTAAATGGAGGAAACATTCGCCTA[T>G]AAAACGAAAGAATAGAAAAGAAAAAGAAAGATAAACCACCCGTAATCTTGGGTTTGATTT-3'

ClinVar aggregate classification (germline): Likely benign (1 of 4 stars; one submission).

Conditions:
TBX3-related disorder. Also called: TBX3-related condition.

Submission:

PreventionGenetics, part of Exact Sciences
Classification: Likely benign for TBX3-related condition. Last evaluated: 2024-10-09. Review status: criteria provided, single submitter. Criteria: ACMG Guidelines, 2015. Collection method: clinical testing. Allele origin: germline.
Comment: This variant is classified as likely benign based on ACMG/AMP sequence variant interpretation guidelines (Richards et al. 2015 PMID: 25741868, with internal and published modifications).